The following is an entry in ClinVar:

ClinVar aggregate classification (germline): Uncertain significance. Review status: criteria provided, multiple submitters, no conflicts (2 of 4 stars). 2 submissions from 2 submitters: Uncertain significance (2). Last evaluated 2021-12-07.

Conditions:
Hypertrophic cardiomyopathy 14. Identifiers: MedGen C2750467, MONDO:0013197, OMIM 613251.
Cardiovascular phenotype. Identifiers: MedGen CN230736.

Submissions (2):

Ambry Genetics
Classification: Uncertain significance for Cardiovascular phenotype. Last evaluated: 2021-12-07. Review status: criteria provided, single submitter. Criteria: Ambry Variant Classification Scheme 2023. Collection method: clinical testing. Allele origin: germline.
Comment: The c.5435dupA variant, located in coding exon 34 of the MYH6 gene, results from a duplication of A at nucleotide position 5435, causing a translational frameshift with a predicted alternate stop codon (p.Q1813Afs*15). This alteration is expected to result in premature protein truncation or nonsense-mediated mRNA decay. However, loss of function of MYH6 has not been clearly established as a mechanism of disease. Since supporting evidence is limited at this time, the clinical significance of this alteration remains unclear.

Labcorp Genetics (formerly Invitae), Labcorp
Classification: Uncertain significance for Hypertrophic cardiomyopathy 14. Last evaluated: 2021-02-15. Review status: criteria provided, single submitter. Criteria: Invitae Variant Classification Sherloc (09022015). Collection method: clinical testing. Allele origin: germline.
Comment: In summary, the available evidence is currently insufficient to determine the role of this variant in disease. Therefore, it has been classified as a Variant of Uncertain Significance. This variant has not been reported in the literature in individuals with MYH6-related conditions. This variant is not present in population databases (ExAC no frequency). This sequence change creates a premature translational stop signal (p.Gln1813Alafs*15) in the MYH6 gene. It is expected to result in an absent or disrupted protein product. However, the current clinical and genetic evidence is not sufficient to establish whether loss-of-function variants in MYH6 cause disease.

NM_002471.4(MYH6):c.5435dup (p.Gln1813fs)

Gene: MYH6 (myosin heavy chain 6; minus strand). Cytogenetic location: 14q11.2.
Variant type: Duplication.
Coding change: c.5435dup on transcript NM_002471.4 (MANE Select); coding-DNA position 5435, one base duplicated (A; older notation c.5435dupA).
Protein change: p.Gln1813fs; shifts the reading frame from glutamine 1813.
Molecular consequence: frameshift variant.
Genome position (GRCh38, 1-based): chr14:23,384,572, T duplicated on the plus strand (A on the coding strand, the reverse complement: MYH6 is on the minus strand); the first of 2 consecutive T bases (chr14:23,384,572-23,384,573); duplicating either gives the same sequence. VCF-style (leftmost placement, unchanged base first): chr14-23384571-C-CT. GRCh37 (hg19) VCF-style: chr14-23853780-C-CT.
Other names: short protein forms Q1813fs.
Identifiers: ClinVar variation 1489652 (VCV001489652.8), dbSNP rs1324433778, ClinGen allele CA704275478.